The following is an entry in ClinVar:

ClinVar aggregate classification (germline): Uncertain significance (1 of 4 stars; one submission).

Conditions:
MYO18B-related disorder. Also called: MYO18B-related condition.

gnomAD v4.1: 9 of 1,603,274 alleles (0.00056%); highest among the groups gnomAD compares: Admixed American, 0.015%; no homozygotes.

Submission:

PreventionGenetics, part of Exact Sciences
Classification: Uncertain significance for MYO18B-related condition. Last evaluated: 2026-05-06. Review status: criteria provided, single submitter. Criteria: ACMG Guidelines, 2015. Collection method: clinical testing. Allele origin: germline.
Comment: The MYO18B c.3901C>G variant is predicted to result in the amino acid substitution p.Leu1301Val. To our knowledge, this variant has not been reported in the literature. This variant is reported in 0.015% of alleles in individuals of Latino descent in gnomAD. At this time, the clinical significance of this variant is uncertain due to the absence of conclusive functional and genetic evidence.

NM_032608.7(MYO18B):c.3901C>G (p.Leu1301Val)

Gene: MYO18B (myosin XVIIIB; plus strand). Cytogenetic location: 22q12.1.
Variant type: single nucleotide variant.
Coding change: c.3901C>G on transcript NM_032608.7 (MANE Select); coding-DNA position 3901, C replaced by G.
Protein change: p.Leu1301Val; replaces leucine 1301 with valine.
Molecular consequence: missense variant.
Genome position (GRCh38, 1-based): chr22:25,868,335, C>G. VCF-style: chr22-25868335-C-G. GRCh37 (hg19) VCF-style: chr22-26264302-C-G.
Other names: c.3904C>G, p.Leu1302Val (NM_001318245.2); short protein forms L1301V, L1302V.
Identifiers: ClinVar variation 4981766 (VCV004981766.1).